The following is an entry in ClinVar:

NM_004958.4(MTOR):c.1013C>T (p.Ser338Phe)

Gene: MTOR (mechanistic target of rapamycin kinase; minus strand). Cytogenetic location: 1p36.22.
Variant type: single nucleotide variant.
Coding change: c.1013C>T on transcript NM_004958.4 (MANE Select); coding-DNA position 1013, C replaced by T.
Protein change: p.Ser338Phe; replaces serine 338 with phenylalanine.
Molecular consequence: missense variant. On other transcripts: 5 prime UTR variant (1).
Genome position (GRCh38, 1-based): chr1:11,247,922, G>A on the plus strand (C>T on the coding strand, the complement: MTOR is on the minus strand). VCF-style: chr1-11247922-G-A. GRCh37 (hg19) VCF-style: chr1-11307979-G-A.
Other names: c.1013C>T, p.Ser338Phe (NM_001386500.1); c.-127C>T (NM_001386501.1); short protein forms S338F.
Identifiers: ClinVar variation 2808785 (VCV002808785.3), dbSNP rs773862672, ClinGen allele CA17951537.

ClinVar aggregate classification (germline): Uncertain significance (1 of 4 stars; one submission).

Allele frequency attached by ClinVar (database versions not stated): TOPMed 0.00001.
gnomAD v4.1: 1 of 1,614,200 alleles (0.000062%); highest among the groups gnomAD compares: South Asian, 0.0011%; no homozygotes.

Submission:

Labcorp Genetics (formerly Invitae), Labcorp
Classification: Uncertain significance. Last evaluated: 2023-03-08. Review status: criteria provided, single submitter. Criteria: Invitae Variant Classification Sherloc (09022015). Collection method: clinical testing. Allele origin: germline.
Comment: This sequence change replaces serine, which is neutral and polar, with phenylalanine, which is neutral and non-polar, at codon 338 of the MTOR protein (p.Ser338Phe). This variant is not present in population databases (gnomAD no frequency). In summary, the available evidence is currently insufficient to determine the role of this variant in disease. Therefore, it has been classified as a Variant of Uncertain Significance. Advanced modeling of protein sequence and biophysical properties (such as structural, functional, and spatial information, amino acid conservation, physicochemical variation, residue mobility, and thermodynamic stability) performed at Invitae indicates that this missense variant is not expected to disrupt MTOR protein function. This variant has not been reported in the literature in individuals affected with MTOR-related conditions.